The following is an entry in ClinVar:

NM_007118.4(TRIO):c.1781C>A (p.Thr594Lys)

Gene: TRIO (trio Rho guanine nucleotide exchange factor; plus strand). Cytogenetic location: 5p15.2.
Variant type: single nucleotide variant.
Coding change: c.1781C>A on transcript NM_007118.4 (MANE Select); coding-DNA position 1781, C replaced by A.
Protein change: p.Thr594Lys; replaces threonine 594 with lysine.
Molecular consequence: missense variant. On other transcripts: non-coding transcript variant (1).
Genome position (GRCh38, 1-based): chr5:14,330,827, C>A. VCF-style: chr5-14330827-C-A. GRCh37 (hg19) VCF-style: chr5-14330936-C-A.
Other names: short protein forms T594K.
Identifiers: ClinVar variation 5038159 (VCV005038159.1).
Genomic context (GRCh38, chr5:14,330,827, plus strand): 5'-TTTCATTGTAGGTGCTAGACTGGATCGAGAACCACGGAGAAGCATTTCTGAGCAAACATA[C>A]AGGTGTGGGGAAATCTCTTCATCGGGCCAGAGCATTGCAGAAACGTCATGAAGATTTTGA-3'
Protein context (NP_009049.2, residues 584-604): NHGEAFLSKH[Thr594Lys]GVGKSLHRAR

ClinVar aggregate classification (germline): Uncertain significance (1 of 4 stars; one submission).

Conditions:
Intellectual developmental disorder, autosomal dominant 63, with macrocephaly. Also called: MENTAL RETARDATION, AUTOSOMAL DOMINANT 63, WITH MACROCEPHALY. Identifiers: MedGen C5394205, MONDO:0032939, OMIM 618825.

Submission:

MVZ Medizinische Genetik Mainz
Classification: Uncertain significance for Intellectual developmental disorder, autosomal dominant 63, with macrocephaly. Last evaluated: 2026-09-24. Review status: criteria provided, single submitter. Criteria: UK Practice Guidelines For Variant Classification V4 01 2020. Collection method: clinical testing. Allele origin: germline. Inheritance: Autosomal dominant inheritance. Affected: yes. Observed: 1 variant allele.
Comment: ACMG Criteria: PP2_MOD,PM2_SUP